The following is an entry in ClinVar:

ClinVar aggregate classification (germline): Uncertain significance (1 of 4 stars; one submission).

Conditions:
Kabuki syndrome. Also called: Kabuki make-up syndrome; NIIKAWA-KUROKI SYNDROME. Identifiers: Orphanet 2322, MedGen C0796004, MONDO:0016512.

Submission:

Labcorp Genetics (formerly Invitae), Labcorp
Classification: Uncertain significance for Kabuki syndrome. Last evaluated: 2023-06-15. Review status: criteria provided, single submitter. Criteria: Invitae Variant Classification Sherloc (09022015). Collection method: clinical testing. Allele origin: germline.
Comment: In summary, the available evidence is currently insufficient to determine the role of this variant in disease. Therefore, it has been classified as a Variant of Uncertain Significance. Advanced modeling of protein sequence and biophysical properties (such as structural, functional, and spatial information, amino acid conservation, physicochemical variation, residue mobility, and thermodynamic stability) performed at Invitae indicates that this missense variant is not expected to disrupt KMT2D protein function. This variant has not been reported in the literature in individuals affected with KMT2D-related conditions. This variant is not present in population databases (gnomAD no frequency). This sequence change replaces glutamine, which is neutral and polar, with glutamic acid, which is acidic and polar, at codon 4085 of the KMT2D protein (p.Gln4085Glu).

NM_003482.4(KMT2D):c.12253C>G (p.Gln4085Glu)

Gene: KMT2D (lysine methyltransferase 2D; minus strand). Cytogenetic location: 12q13.12.
Variant type: single nucleotide variant.
Coding change: c.12253C>G on transcript NM_003482.4 (MANE Select); coding-DNA position 12253, C replaced by G.
Protein change: p.Gln4085Glu; replaces glutamine 4085 with glutamic acid.
Molecular consequence: missense variant.
Genome position (GRCh38, 1-based): chr12:49,032,452, G>C on the plus strand (C>G on the coding strand, the complement: KMT2D is on the minus strand). VCF-style: chr12-49032452-G-C. GRCh37 (hg19) VCF-style: chr12-49426235-G-C.
Other names: short protein forms Q4085E.
Identifiers: ClinVar variation 2716779 (VCV002716779.3), dbSNP rs2120431425, ClinGen allele CA384712442.
Genomic context (GRCh38, chr12:49,032,452, plus strand): 5'-CTTGCTGCTGCTGTTGTCCTGGAAGCCTCAGAGGTGGCTGCAGCTGCAGAGAGCTGGGCT[G>C]AGGCTGGGGCTGGGGTTGGACAAGCAGGAGTTGTGAGTCCCCAGAGAGTGAGGGCTTTAC-3'
Protein context (NP_003473.3, residues 4075-4095): LLLVQPQPQP[Gln4085Glu]PSSLQLQPPL